The following is an entry in ClinVar:

NM_032043.3(BRIP1):c.2387T>C (p.Leu796Pro)

Gene: BRIP1 (BRCA1 interacting DNA helicase 1; minus strand). Cytogenetic location: 17q23.2.
Variant type: single nucleotide variant.
Coding change: c.2387T>C on transcript NM_032043.3 (MANE Select); coding-DNA position 2387, T replaced by C.
Protein change: p.Leu796Pro; replaces leucine 796 with proline.
Molecular consequence: missense variant.
Genome position (GRCh38, 1-based): chr17:61,716,056, A>G on the plus strand (T>C on the coding strand, the complement: BRIP1 is on the minus strand). VCF-style: chr17-61716056-A-G. GRCh37 (hg19) VCF-style: chr17-59793417-A-G.
Other names: short protein forms L796P.
Identifiers: ClinVar variation 2120825 (VCV002120825.4), dbSNP rs2544698113, ClinGen allele CA400479834.
Genomic context (GRCh38, chr17:61,716,056, plus strand): 5'-CACTGACGGCCAGGTAGAAGACCTCTCAATTTTGAATGGTGGTCATTGTATTGTCGTTTT[A>G]GTTCAACCTAATAATTTTAAAATATATTTAAAAAATTAGTAGATAATTAAAGCTCATTTT-3'
Protein context (NP_114432.2, residues 786-806): FPNVKDLQVE[Leu796Pro]KRQYNDHHSK

ClinVar aggregate classification (germline): Uncertain significance (1 of 4 stars; one submission).

Conditions:
Fanconi anemia complementation group J. Also called: BRIP1-Related Fanconi Anemia. Identifiers: Orphanet 84, MedGen C1836860, MONDO:0012187, OMIM 609054.
Familial cancer of breast. Also called: BREAST CANCER, FAMILIAL; hereditary breast carcinoma; Hereditary breast cancer. Identifiers: Orphanet 227535, MedGen C0346153, MONDO:0016419, OMIM 114480. Disease mechanism: loss of function.

Submission:

Labcorp Genetics (formerly Invitae), Labcorp
Classification: Uncertain significance for Familial cancer of breast; Fanconi anemia complementation group J. Last evaluated: 2022-09-26. Review status: criteria provided, single submitter. Criteria: Invitae Variant Classification Sherloc (09022015). Collection method: clinical testing. Allele origin: germline.
Comment: This variant has not been reported in the literature in individuals affected with BRIP1-related conditions. This sequence change replaces leucine, which is neutral and non-polar, with proline, which is neutral and non-polar, at codon 796 of the BRIP1 protein (p.Leu796Pro). This variant is not present in population databases (gnomAD no frequency). Advanced modeling of protein sequence and biophysical properties (such as structural, functional, and spatial information, amino acid conservation, physicochemical variation, residue mobility, and thermodynamic stability) performed at Invitae indicates that this missense variant is expected to disrupt BRIP1 protein function. In summary, the available evidence is currently insufficient to determine the role of this variant in disease. Therefore, it has been classified as a Variant of Uncertain Significance.